The following is an entry in ClinVar:

NM_001369.3(DNAH5):c.11464C>T (p.Arg3822Trp)

Gene: DNAH5 (dynein axonemal heavy chain 5; minus strand). Cytogenetic location: 5p15.2.
Variant type: single nucleotide variant.
Coding change: c.11464C>T on transcript NM_001369.3 (MANE Select); coding-DNA position 11464, C replaced by T.
Protein change: p.Arg3822Trp; replaces arginine 3822 with tryptophan.
Molecular consequence: missense variant.
Genome position (GRCh38, 1-based): chr5:13,735,924, G>A on the plus strand (C>T on the coding strand, the complement: DNAH5 is on the minus strand). VCF-style: chr5-13735924-G-A. GRCh37 (hg19) VCF-style: chr5-13736033-G-A.
Other names: short protein forms R3822W.
Identifiers: ClinVar variation 2186859 (VCV002186859.2), dbSNP rs746375013, ClinGen allele CA3201946.

ClinVar aggregate classification (germline): Uncertain significance (1 of 4 stars; one submission).

Conditions:
Primary ciliary dyskinesia. Also called: Ciliary dyskinesia. Identifiers: Orphanet 244, MedGen C0008780, MONDO:0016575, HP:0012265.

Allele frequency attached by ClinVar (database versions not stated): TOPMed 0.00001; ExAC 0.00002; gnomAD exomes 0.00003.

Submission:

Labcorp Genetics (formerly Invitae), Labcorp
Classification: Uncertain significance for Primary ciliary dyskinesia. Last evaluated: 2023-12-11. Review status: criteria provided, single submitter. Criteria: Invitae Variant Classification Sherloc (09022015). Collection method: clinical testing. Allele origin: germline.
Comment: This sequence change replaces arginine, which is basic and polar, with tryptophan, which is neutral and slightly polar, at codon 3822 of the DNAH5 protein (p.Arg3822Trp). This variant is present in population databases (rs746375013, gnomAD 0.003%). This variant has not been reported in the literature in individuals affected with DNAH5-related conditions. ClinVar contains an entry for this variant (Variation ID: 2186859). Advanced modeling of protein sequence and biophysical properties (such as structural, functional, and spatial information, amino acid conservation, physicochemical variation, residue mobility, and thermodynamic stability) performed at Invitae indicates that this missense variant is expected to disrupt DNAH5 protein function with a positive predictive value of 95%. In summary, the available evidence is currently insufficient to determine the role of this variant in disease. Therefore, it has been classified as a Variant of Uncertain Significance.